The following is an entry in ClinVar:

ClinVar aggregate classification (germline): Pathogenic/Likely pathogenic. Review status: criteria provided, multiple submitters, no conflicts (2 of 4 stars). 2 submissions from 2 submitters: Pathogenic (1); Likely pathogenic (1). Last evaluated 2024-08-14.

Conditions:
Hereditary breast ovarian cancer syndrome. Also called: Hereditary breast and ovarian cancer; Hereditary breast and ovarian cancer syndrome (HBOC); Breast and ovarian cancer; Hereditary breast and ovarian cancer syndrome; Hereditary breast and/or ovarian cancer syndrome; BRCA1- and BRCA2-Associated Hereditary Breast and Ovarian Cancer. Identifiers: Orphanet 145, MedGen C0677776, MeSH D061325, MONDO:0003582. Disease mechanism: loss of function.

Submissions (2):

Labcorp Genetics (formerly Invitae), Labcorp
Classification: Pathogenic for Hereditary breast ovarian cancer syndrome. Last evaluated: 2024-08-14. Review status: criteria provided, single submitter. Criteria: Invitae Variant Classification Sherloc (09022015). Collection method: clinical testing. Allele origin: germline.
Comment: This sequence change creates a premature translational stop signal (p.Glu2903Serfs*6) in the BRCA2 gene. It is expected to result in an absent or disrupted protein product. Loss-of-function variants in BRCA2 are known to be pathogenic (PMID: 20104584). This variant is not present in population databases (gnomAD no frequency). This variant has not been reported in the literature in individuals affected with BRCA2-related conditions. ClinVar contains an entry for this variant (Variation ID: 1455542). For these reasons, this variant has been classified as Pathogenic.

Quest Diagnostics Nichols Institute San Juan Capistrano
Classification: Likely pathogenic. Last evaluated: 2022-02-04. Review status: criteria provided, single submitter. Criteria: Quest Diagnostics criteria. Collection method: clinical testing. Allele origin: unknown.
Comment: This frameshift variant alters the translational reading frame of the BRCA2 mRNA and is predicted to cause the premature termination of BRCA2 protein synthesis. The variant has not been reported in individuals with BRCA2-related diseases in the published literature. It also has not been reported in large, multi-ethnic general populations. Based on the available information, this variant is classified as likely pathogenic.

Literature cited by the submitters: PubMed 20104584 (cited by Labcorp Genetics (formerly Invitae), Labcorp).

NM_000059.4(BRCA2):c.8706del (p.Glu2903fs)

Gene: BRCA2 (BRCA2 DNA repair associated; plus strand). Cytogenetic location: 13q13.1.
Variant type: Deletion.
Coding change: c.8706del on transcript NM_000059.4 (MANE Select); coding-DNA position 8706, one base deleted (A; older notation c.8706delA).
Protein change: p.Glu2903fs; shifts the reading frame from glutamic acid 2903.
Molecular consequence: frameshift variant.
Genome position (GRCh38, 1-based): chr13:32,376,743, A deleted. VCF-style (leftmost placement, unchanged base first): chr13-32376742-CA-C. GRCh37 (hg19) VCF-style: chr13-32950879-CA-C.
Other names: short protein forms E2903fs.
Identifiers: ClinVar variation 1455542 (VCV001455542.7), dbSNP rs2137613060, ClinGen allele CA2573149220.